The following is an entry in ClinVar:

ClinVar aggregate classification (germline): Conflicting classifications of pathogenicity. Review status: criteria provided, conflicting classifications (1 of 4 stars). 3 submissions from 3 submitters: Uncertain significance (2); Likely benign (1). Last evaluated 2026-04-02.

Conditions:
Hereditary cancer-predisposing syndrome. Also called: Neoplastic Syndromes, Hereditary; Hereditary Cancer Syndrome; Tumor predisposition; Hereditary neoplastic syndrome. Identifiers: Orphanet 140162, MedGen C0027672, MeSH D009386, MONDO:0015356.
Gorlin syndrome. Also called: Nevoid Basal Cell Carcinoma Syndrome; Basal cell nevus syndrome. Identifiers: Orphanet 377, MedGen C0004779, MONDO:0007187.
PTCH1-related disorder. Also called: PTCH1-related disorders; PTCH1-related condition.

Allele frequency attached by ClinVar (database versions not stated): ExAC 0.00001; gnomAD exomes 0.00001 and 0.00003; TOPMed 0.00002; gnomAD 0.00003.
gnomAD v4.1: 44 of 1,613,848 alleles (0.0027%); highest among the groups gnomAD compares: South Asian, 0.0066%; no homozygotes.

Submissions (3):

PreventionGenetics, part of Exact Sciences
Classification: Uncertain significance for PTCH1-related condition. Last evaluated: 2026-04-02. Review status: criteria provided, single submitter. Criteria: ACMG Guidelines, 2015. Collection method: clinical testing. Allele origin: germline.
Comment: The PTCH1 c.4181G>A variant is predicted to result in the amino acid substitution p.Arg1394Gln. To our knowledge, this variant has not been reported in the literature. This variant is reported in 0.010% of alleles in individuals of Ashkenazi Jewish descent in gnomAD and has conflicting interpretations in ClinVar ranging from likely benign to uncertain (Variation ID: 486170). Although we suspect that this variant may be benign, at this time, the clinical significance of this variant is uncertain due to the absence of conclusive functional and genetic evidence.

Labcorp Genetics (formerly Invitae), Labcorp
Classification: Uncertain significance for Gorlin syndrome. Last evaluated: 2024-12-31. Review status: criteria provided, single submitter. Criteria: Invitae Variant Classification Sherloc (09022015). Collection method: clinical testing. Allele origin: germline.
Comment: This sequence change replaces arginine, which is basic and polar, with glutamine, which is neutral and polar, at codon 1394 of the PTCH1 protein (p.Arg1394Gln). This variant is present in population databases (rs748812637, gnomAD 0.01%). This variant has not been reported in the literature in individuals affected with PTCH1-related conditions. ClinVar contains an entry for this variant (Variation ID: 486170). Invitae Evidence Modeling of protein sequence and biophysical properties (such as structural, functional, and spatial information, amino acid conservation, physicochemical variation, residue mobility, and thermodynamic stability) indicates that this missense variant is not expected to disrupt PTCH1 protein function with a negative predictive value of 95%. In summary, the available evidence is currently insufficient to determine the role of this variant in disease. Therefore, it has been classified as a Variant of Uncertain Significance.

Ambry Genetics
Classification: Likely benign for Hereditary cancer-predisposing syndrome. Last evaluated: 2021-04-26. Review status: criteria provided, single submitter. Criteria: Ambry Variant Classification Scheme 2023. Collection method: clinical testing. Allele origin: germline.

NM_000264.5(PTCH1):c.4181G>A (p.Arg1394Gln)

Gene: PTCH1 (patched 1; minus strand). Cytogenetic location: 9q22.32.
Variant type: single nucleotide variant.
Coding change: c.4181G>A on transcript NM_000264.5 (MANE Select); coding-DNA position 4181, G replaced by A.
Protein change: p.Arg1394Gln; replaces arginine 1394 with glutamine.
Molecular consequence: missense variant. On other transcripts: non-coding transcript variant (1).
Genome position (GRCh38, 1-based): chr9:95,447,075, C>T on the plus strand (G>A on the coding strand, the complement: PTCH1 is on the minus strand). VCF-style: chr9-95447075-C-T. GRCh37 (hg19) VCF-style: chr9-98209357-C-T.
Other names: c.3983G>A, p.Arg1328Gln (NM_001083602.3); c.4178G>A, p.Arg1393Gln (NM_001083603.3); c.3728G>A, p.Arg1243Gln (NM_001083604.3, NM_001083605.3, NM_001083606.3 and 1 more transcripts); c.4025G>A, p.Arg1342Gln (NM_001354918.2); short protein forms R1328Q, R1394Q, R1243Q, R1342Q, R1393Q.
Identifiers: ClinVar variation 486170 (VCV000486170.14), dbSNP rs748812637, ClinGen allele CA5137932.